The following is an entry in ClinVar:

ClinVar aggregate classification (germline): Conflicting classifications of pathogenicity. Review status: criteria provided, conflicting classifications (1 of 4 stars). 2 submissions from 2 submitters: Likely pathogenic (1); Uncertain significance (1). Last evaluated 2024-10-04.

Conditions:
TRPM1-related disorder. Also called: TRPM1-related condition.

Allele frequency attached by ClinVar (database versions not stated): TOPMed 0.00003; gnomAD 0.00004 and 0.00005; gnomAD exomes 0.00006 and 0.00008; ExAC 0.00007; ESP Exome Variant Server 0.00008.

Submissions (2):

Labcorp Genetics (formerly Invitae), Labcorp
Classification: Uncertain significance. Last evaluated: 2024-10-04. Review status: criteria provided, single submitter. Criteria: Invitae Variant Classification Sherloc (09022015). Collection method: clinical testing. Allele origin: germline.
Comment: This sequence change replaces arginine, which is basic and polar, with glutamine, which is neutral and polar, at codon 1000 of the TRPM1 protein (p.Arg1000Gln). This variant is present in population databases (rs374787557, gnomAD 0.02%). This missense change has been observed in individual(s) with congenital stationary night blindness (PMID: 31725702). ClinVar contains an entry for this variant (Variation ID: 950187). Invitae Evidence Modeling of protein sequence and biophysical properties (such as structural, functional, and spatial information, amino acid conservation, physicochemical variation, residue mobility, and thermodynamic stability) indicates that this missense variant is not expected to disrupt TRPM1 protein function with a negative predictive value of 95%. In summary, the available evidence is currently insufficient to determine the role of this variant in disease. Therefore, it has been classified as a Variant of Uncertain Significance.

Blueprint Genetics
Classification: Likely pathogenic for TRPM1-related disorders. Last evaluated: 2022-03-18. Review status: criteria provided, single submitter. Criteria: ACMG Guidelines, 2015. Collection method: clinical testing. Allele origin: germline. Affected: yes. Observed: 5 variant alleles.

Literature cited by the submitters: PubMed 31725702 (cited by Labcorp Genetics (formerly Invitae), Labcorp).

NM_001252024.2(TRPM1):c.3065G>A (p.Arg1022Gln)

Genes: TRPM1 (transient receptor potential cation channel subfamily M member 1; minus strand), TRPM1-AS1 (TRPM1 antisense RNA 1; plus strand). Cytogenetic location: 15q13.3.
Variant type: single nucleotide variant.
Coding change: c.3065G>A on transcript NM_001252024.2 (MANE Select); coding-DNA position 3065, G replaced by A.
Protein change: p.Arg1022Gln; replaces arginine 1022 with glutamine.
Molecular consequence: missense variant.
Genome position (GRCh38, 1-based): chr15:31,031,045, C>T on the plus strand (G>A on the coding strand, the complement: TRPM1 is on the minus strand). VCF-style: chr15-31031045-C-T. GRCh37 (hg19) VCF-style: chr15-31323248-C-T.
Other names: c.3116G>A, p.Arg1039Gln (NM_001252020.2); c.2999G>A, p.Arg1000Gln (NM_002420.6); short protein forms R1000Q, R1039Q, R1022Q.
Identifiers: ClinVar variation 950187 (VCV000950187.10), dbSNP rs374787557, ClinGen allele CA7452000.